The following is an entry in ClinVar:

ClinVar aggregate classification (germline): Uncertain significance (1 of 4 stars; one submission).

gnomAD v4.1: 5 of 1,189,963 alleles (0.00042%); highest among the groups gnomAD compares: East Asian, 0.006%; no homozygotes.

Submission:

Labcorp Genetics (formerly Invitae), Labcorp
Classification: Uncertain significance. Last evaluated: 2024-04-24. Review status: criteria provided, single submitter. Criteria: Invitae Variant Classification Sherloc (09022015). Collection method: clinical testing. Allele origin: germline.
Comment: This sequence change falls in intron 8 of the STAG2 gene. It does not directly change the encoded amino acid sequence of the STAG2 protein. It affects a nucleotide within the consensus splice site. This variant is present in population databases (no rsID available, gnomAD 0.01%). This variant has not been reported in the literature in individuals affected with STAG2-related conditions. Variants that disrupt the consensus splice site are a relatively common cause of aberrant splicing (PMID: 17576681, 9536098). Algorithms developed to predict the effect of sequence changes on RNA splicing suggest that this variant is not likely to affect RNA splicing. In summary, the available evidence is currently insufficient to determine the role of this variant in disease. Therefore, it has been classified as a Variant of Uncertain Significance.

Literature cited by the submitters: PubMed 17576681; PubMed 9536098.

NM_001042750.2(STAG2):c.667+3C>T

Gene: STAG2 (STAG2 cohesin complex component; plus strand). Cytogenetic location: Xq25.
Variant type: single nucleotide variant.
Coding change: c.667+3C>T on transcript NM_001042750.2 (MANE Select); 3 bases into the intron after coding-DNA position 667, C replaced by T.
Molecular consequence: intron variant.
Genome position (GRCh38, 1-based): chrX:124,045,371, C>T. VCF-style: chrX-124045371-C-T. GRCh37 (hg19) VCF-style: chrX-123179221-C-T.
Other names: c.667+3C>T (NM_001042749.2, NM_001375366.1, NM_001375373.1 and 13 more transcripts).
Identifiers: ClinVar variation 3697130 (VCV003697130.2).